The following is an entry in ClinVar:

ClinVar aggregate classification (germline): Uncertain significance (1 of 4 stars; one submission).

Submission:

Ambry Genetics
Classification: Uncertain significance. Last evaluated: 2025-01-05. Review status: criteria provided, single submitter. Criteria: Ambry Variant Classification Scheme 2023. Collection method: clinical testing. Allele origin: germline.
Comment: The p.V549L variant (also known as c.1645G>C), located in coding exon 17 of the KIF1B gene, results from a G to C substitution at nucleotide position 1645. The valine at codon 549 is replaced by leucine, an amino acid with highly similar properties. This amino acid position is conserved. In addition, this alteration is predicted to be deleterious by in silico analysis. Based on the available evidence, the clinical significance of this variant remains unclear.

NM_001365951.3(KIF1B):c.1783G>C (p.Val595Leu)

Gene: KIF1B (kinesin family member 1B; plus strand). Cytogenetic location: 1p36.22.
Variant type: single nucleotide variant.
Coding change: c.1783G>C on transcript NM_001365951.3 (MANE Select); coding-DNA position 1783, G replaced by C.
Protein change: p.Val595Leu; replaces valine 595 with leucine.
Molecular consequence: missense variant.
Genome position (GRCh38, 1-based): chr1:10,296,587, G>C. VCF-style: chr1-10296587-G-C. GRCh37 (hg19) VCF-style: chr1-10356645-G-C.
Other names: c.1783G>C, p.Val595Leu (NM_001365952.1); c.1645G>C, p.Val549Leu (NM_001365953.1, NM_015074.3, NM_183416.4); short protein forms V549L, V595L.
Identifiers: ClinVar variation 3864060 (VCV003864060.1).